The following is an entry in ClinVar:

NM_018418.5(SPATA7):c.1601G>A (p.Arg534Gln)

Gene: SPATA7 (spermatogenesis associated 7; plus strand). Cytogenetic location: 14q31.3.
Variant type: single nucleotide variant.
Coding change: c.1601G>A on transcript NM_018418.5 (MANE Select); coding-DNA position 1601, G replaced by A.
Protein change: p.Arg534Gln; replaces arginine 534 with glutamine.
Molecular consequence: missense variant.
Genome position (GRCh38, 1-based): chr14:88,438,223, G>A. VCF-style: chr14-88438223-G-A. GRCh37 (hg19) VCF-style: chr14-88904567-G-A.
Other names: c.1505G>A, p.Arg502Gln (NM_001040428.4); short protein forms R534Q, R502Q.
Identifiers: ClinVar variation 314790 (VCV000314790.16), dbSNP rs10139784, ClinGen allele CA7298840.

ClinVar aggregate classification (germline): Benign/Likely benign. Review status: criteria provided, multiple submitters, no conflicts (2 of 4 stars). 7 submissions from 6 submitters: Benign (5); Likely benign (2). Last evaluated 2026-02-04.

Conditions:
Leber congenital amaurosis 3 (LCA3). Also called: SPATA7-Related Retinitis Pigmentosa. Identifiers: MedGen C1858677, MONDO:0011415, OMIM 604232.
Retinitis pigmentosa (RP). Identifiers: Orphanet 791, MedGen C0035334, MeSH D012174, MONDO:0019200, OMIM 268000. Inheritance: Autosomal dominant, autosomal recessive and X linked inheritance.
Retinal dystrophy. Also called: Inherited retinal dystrophy. Identifiers: Orphanet 71862, MedGen C0854723, MeSH D058499, MONDO:0019118, HP:0000556.

Allele frequency attached by ClinVar (database versions not stated): gnomAD 0.03969 and 0.04245; 1000 Genomes Project 0.04573; TOPMed 0.04573; 1000 Genomes Project 30x 0.04669; ESP Exome Variant Server 0.04775.
gnomAD v4.1: 12,820 of 1,613,904 alleles (0.79%); highest among the groups gnomAD compares: African/African-American, 13%; 695 homozygotes.

Submissions (7):

Labcorp Genetics (formerly Invitae), Labcorp
Classification: Benign for Leber congenital amaurosis 3. Last evaluated: 2026-02-04. Review status: criteria provided, single submitter. Criteria: Invitae Variant Classification Sherloc (09022015). Collection method: clinical testing. Allele origin: germline.

Dept Of Ophthalmology, Nagoya University
Classification: Benign for Retinal dystrophy. Last evaluated: 2023-10-01. Review status: criteria provided, single submitter. Criteria: Submitter's publication. Collection method: research. Allele origin: germline. Affected: yes.

Women's Health and Genetics/Laboratory Corporation of America, LabCorp
Classification: Likely benign. Last evaluated: 2021-12-10. Review status: criteria provided, single submitter. Criteria: LabCorp Variant Classification Summary - May 2015. Collection method: clinical testing. Allele origin: germline.

GeneDx
Classification: Benign. Last evaluated: 2020-11-02. Review status: criteria provided, single submitter. Criteria: GeneDx Variant Classification Process June 2021. Collection method: clinical testing. Allele origin: germline. Affected: yes.
Comment: This variant is associated with the following publications: (PMID: 30924900)

Illumina Laboratory Services, Illumina
Classification: Benign for Retinitis pigmentosa. Last evaluated: 2018-01-13. Review status: criteria provided, single submitter. Criteria: ICSL Variant Classification Criteria 13 December 2019. Collection method: clinical testing. Allele origin: germline.
Comment: This variant was observed in the ICSL laboratory as part of a predisposition screen in an ostensibly healthy population. It had not been previously curated by ICSL or reported in the Human Gene Mutation Database (HGMD: prior to June 1st, 2018), and was therefore a candidate for classification through an automated scoring system. Utilizing variant allele frequency, disease prevalence and penetrance estimates, and inheritance mode, an automated score was calculated to assess if this variant is too frequent to cause the disease. Based on the score and internal cut-off values, a variant classified as benign is not then subjected to further curation. The score for this variant resulted in a classification of benign for this disease.

Illumina Laboratory Services, Illumina
Classification: Benign for Leber congenital amaurosis 3. Last evaluated: 2018-01-13. Review status: criteria provided, single submitter. Criteria: ICSL Variant Classification Criteria 13 December 2019. Collection method: clinical testing. Allele origin: germline.
Comment: the same text as in the submission from Illumina Laboratory Services, Illumina above.

Breakthrough Genomics
Classification: Likely benign. Review status: criteria provided, single submitter. Criteria: ACMG Guidelines, 2015. Collection method: not provided. Allele origin: germline. Inheritance: Autosomal recessive inheritance. Affected: yes.